The following is an entry in ClinVar:

NM_014675.5(CROCC):c.5186G>A (p.Arg1729Gln)

Gene: CROCC (ciliary rootlet coiled-coil, rootletin; plus strand). Cytogenetic location: 1p36.13.
Variant type: single nucleotide variant.
Coding change: c.5186G>A on transcript NM_014675.5 (MANE Select); coding-DNA position 5186, G replaced by A.
Protein change: p.Arg1729Gln; replaces arginine 1729 with glutamine.
Molecular consequence: missense variant.
Genome position (GRCh38, 1-based): chr1:16,969,225, G>A. VCF-style: chr1-16969225-G-A. GRCh37 (hg19) VCF-style: chr1-17295720-G-A.
Other names: short protein forms R1729Q.
Identifiers: ClinVar variation 2366315 (VCV002366315.26), dbSNP rs371526615, ClinGen allele CA635839.

ClinVar aggregate classification (germline): Likely benign. Review status: criteria provided, multiple submitters, no conflicts (2 of 4 stars). 2 submissions from 2 submitters: Likely benign (2). Last evaluated 2023-04-01.

Allele frequency attached by ClinVar (database versions not stated): gnomAD exomes 0.00001; ExAC 0.00002; gnomAD 0.00003; TOPMed 0.00003; ESP Exome Variant Server 0.00008.
gnomAD v4.1: 19 of 1,613,050 alleles (0.0012%); highest among the groups gnomAD compares: African/African-American, 0.0053%; no homozygotes.

Submissions (2):

CeGaT Center for Human Genetics Tuebingen
Classification: Likely benign. Last evaluated: 2023-04-01. Review status: criteria provided, single submitter. Criteria: CeGaT Center For Human Genetics Tuebingen Variant Classification Criteria Version 2. Collection method: clinical testing. Allele origin: germline. Affected: yes. Observed: 1 variant allele.
Comment: CROCC: BP4

Ambry Genetics
Classification: Likely benign. Last evaluated: 2022-05-11. Review status: criteria provided, single submitter. Criteria: Ambry Variant Classification Scheme 2023. Collection method: clinical testing. Allele origin: germline.